The following is an entry in ClinVar:

ClinVar aggregate classification (germline): Uncertain significance (1 of 4 stars; one submission).

Conditions:
Hereditary spastic paraplegia 75. Also called: Spastic paraplegia 75, autosomal recessive. Identifiers: Orphanet 459056, MedGen C4225250, MONDO:0014729, OMIM 616680.

Allele frequency attached by ClinVar (database versions not stated): ExAC 0.00001.
gnomAD v4.1: 10 of 1,591,876 alleles (0.00063%); highest among the groups gnomAD compares: Admixed American, 0.017%; no homozygotes.

Submission:

Labcorp Genetics (formerly Invitae), Labcorp
Classification: Uncertain significance for Hereditary spastic paraplegia 75. Last evaluated: 2022-08-07. Review status: criteria provided, single submitter. Criteria: Invitae Variant Classification Sherloc (09022015). Collection method: clinical testing. Allele origin: germline.
Comment: This sequence change replaces valine, which is neutral and non-polar, with leucine, which is neutral and non-polar, at codon 144 of the MAG protein (p.Val144Leu). This variant is present in population databases (rs763718467, gnomAD 0.03%). This variant has not been reported in the literature in individuals affected with MAG-related conditions. Algorithms developed to predict the effect of missense changes on protein structure and function are either unavailable or do not agree on the potential impact of this missense change (SIFT: "Tolerated"; PolyPhen-2: "Possibly Damaging"; Align-GVGD: "Class C0"). In summary, the available evidence is currently insufficient to determine the role of this variant in disease. Therefore, it has been classified as a Variant of Uncertain Significance.

NM_002361.4(MAG):c.430G>T (p.Val144Leu)

Gene: MAG (myelin associated glycoprotein; plus strand). Cytogenetic location: 19q13.12.
Variant type: single nucleotide variant.
Coding change: c.430G>T on transcript NM_002361.4 (MANE Select); coding-DNA position 430, G replaced by T.
Protein change: p.Val144Leu; replaces valine 144 with leucine.
Molecular consequence: missense variant.
Genome position (GRCh38, 1-based): chr19:35,299,568, G>T. VCF-style: chr19-35299568-G-T. GRCh37 (hg19) VCF-style: chr19-35790471-G-T.
Other names: c.355G>T, p.Val119Leu (NM_001199216.2); c.430G>T, p.Val144Leu (NM_080600.3); short protein forms V144L, V119L.
Identifiers: ClinVar variation 2137108 (VCV002137108.1), dbSNP rs763718467, ClinGen allele CA9376028.